The following is an entry in ClinVar:

NM_000136.3(FANCC):c.1533+5G>A

Genes: AOPEP (aminopeptidase O (putative); plus strand), FANCC (FA complementation group C; minus strand). Cytogenetic location: 9q22.32.
Variant type: single nucleotide variant.
Coding change: c.1533+5G>A on transcript NM_000136.3 (MANE Select); 5 bases into the intron after coding-DNA position 1533, G replaced by A.
Molecular consequence: intron variant.
Genome position (GRCh38, 1-based): chr9:95,107,061, C>T on the plus strand (G>A on the coding strand, the complement: FANCC is on the minus strand). VCF-style: chr9-95107061-C-T. GRCh37 (hg19) VCF-style: chr9-97869343-C-T.
Other names: c.1533+5G>A (NM_001243743.2).
Identifiers: ClinVar variation 650238 (VCV000650238.6), dbSNP rs1588028749, ClinGen allele CA915947015.

ClinVar aggregate classification (germline): Uncertain significance (1 of 4 stars; one submission).

Conditions:
Fanconi anemia (FA). Also called: Fanconi's anemia. Identifiers: Orphanet 84, MedGen C0015625, MeSH D005199, MONDO:0019391.

gnomAD v4.1: 1 of 1,614,170 alleles (0.000062%); highest among the groups gnomAD compares: East Asian, 0.0022%; no homozygotes.

Submission:

Labcorp Genetics (formerly Invitae), Labcorp
Classification: Uncertain significance for Fanconi anemia. Last evaluated: 2018-10-03. Review status: criteria provided, single submitter. Criteria: Invitae Variant Classification Sherloc (09022015). Collection method: clinical testing. Allele origin: germline.
Comment: This sequence change falls in intron 14 of the FANCC gene. It does not directly change the encoded amino acid sequence of the FANCC protein, but it affects a nucleotide within the consensus splice site of the intron. This variant is not present in population databases (ExAC no frequency). This variant has not been reported in the literature in individuals with FANCC-related disease. Nucleotide substitutions within the consensus splice site are a relatively common cause of aberrant splicing (PMID: 17576681, 9536098). Algorithms developed to predict the effect of sequence changes on RNA splicing suggest that this variant may disrupt the consensus splice site, but this prediction has not been confirmed by published transcriptional studies. In summary, the available evidence is currently insufficient to determine the role of this variant in disease. Therefore, it has been classified as a Variant of Uncertain Significance.

Literature cited by the submitters: PubMed 17576681; PubMed 9536098.